The following is an entry in ClinVar:

ClinVar aggregate classification (germline): Uncertain significance. Review status: criteria provided, multiple submitters, no conflicts (2 of 4 stars). 2 submissions from 2 submitters: Uncertain significance (2). Last evaluated 2024-02-13.

Conditions:
Adams-Oliver syndrome 5 (AOS5). Identifiers: Orphanet 974, MedGen C4014970, MONDO:0014459, OMIM 616028.

Allele frequency attached by ClinVar (database versions not stated): gnomAD exomes below 0.00001.

Submissions (2):

Labcorp Genetics (formerly Invitae), Labcorp
Classification: Uncertain significance for Adams-Oliver syndrome 5. Last evaluated: 2024-02-13. Review status: criteria provided, single submitter. Criteria: Invitae Variant Classification Sherloc (09022015). Collection method: clinical testing. Allele origin: germline.
Comment: This sequence change replaces glycine, which is neutral and non-polar, with serine, which is neutral and polar, at codon 481 of the NOTCH1 protein (p.Gly481Ser). This variant also falls at the last nucleotide of exon 8, which is part of the consensus splice site for this exon. The frequency data for this variant in the population databases is considered unreliable, as metrics indicate poor data quality at this position in the gnomAD database. This variant has not been reported in the literature in individuals affected with NOTCH1-related conditions. ClinVar contains an entry for this variant (Variation ID: 1304412). An algorithm developed to predict the effect of missense changes on protein structure and function (PolyPhen-2) suggests that this variant is likely to be disruptive. Variants that disrupt the consensus splice site are a relatively common cause of aberrant splicing (PMID: 17576681, 9536098). Algorithms developed to predict the effect of sequence changes on RNA splicing suggest that this variant may disrupt the consensus splice site. In summary, the available evidence is currently insufficient to determine the role of this variant in disease. Therefore, it has been classified as a Variant of Uncertain Significance.

GeneDx
Classification: Uncertain significance. Last evaluated: 2018-12-20. Review status: criteria provided, single submitter. Criteria: GeneDx Variant Classification Process June 2021. Collection method: clinical testing. Allele origin: germline. Affected: yes.
Comment: Not observed at a significant frequency in large population cohorts (Lek et al., 2016); In silico analysis, which includes splice predictors and evolutionary conservation, supports a deleterious effect; Has not been previously published as pathogenic or benign to our knowledge; This variant is associated with the following publications: (PMID: 30582441)

Literature cited by the submitters: PubMed 17576681 (cited by Labcorp Genetics (formerly Invitae), Labcorp); PubMed 9536098 (cited by Labcorp Genetics (formerly Invitae), Labcorp).

NM_017617.5(NOTCH1):c.1441G>A (p.Gly481Ser)

Gene: NOTCH1 (notch receptor 1; minus strand). Cytogenetic location: 9q34.3.
Variant type: single nucleotide variant.
Coding change: c.1441G>A on transcript NM_017617.5 (MANE Select); coding-DNA position 1441, G replaced by A.
Protein change: p.Gly481Ser; replaces glycine 481 with serine.
Molecular consequence: missense variant.
Genome position (GRCh38, 1-based): chr9:136,517,752, C>T on the plus strand (G>A on the coding strand, the complement: NOTCH1 is on the minus strand). VCF-style: chr9-136517752-C-T. GRCh37 (hg19) VCF-style: chr9-139412204-C-T.
Other names: short protein forms G481S.
Identifiers: ClinVar variation 1304412 (VCV001304412.4), dbSNP rs1448146225, ClinGen allele CA375562778.